The following is an entry in ClinVar:

NM_181672.3(OGT):c.1981A>G (p.Met661Val)

Gene: OGT (O-linked N-acetylglucosamine (GlcNAc) transferase; plus strand). Cytogenetic location: Xq13.1.
Variant type: single nucleotide variant.
Coding change: c.1981A>G on transcript NM_181672.3 (MANE Select); coding-DNA position 1981, A replaced by G.
Protein change: p.Met661Val; replaces methionine 661 with valine.
Molecular consequence: missense variant.
Genome position (GRCh38, 1-based): chrX:71,562,850, A>G. VCF-style: chrX-71562850-A-G. GRCh37 (hg19) VCF-style: chrX-70782700-A-G.
Other names: NC_000023.10:g.70782700A>G; c.1951A>G, p.Met651Val (NM_181673.3); short protein forms M651V, M661V.
Identifiers: ClinVar variation 3378022 (VCV003378022.3).
Genomic context (GRCh38, chrX:71,562,850, plus strand): 5'-TAGAGGTAAGTGTACTGATAAAAGTTCTTAATCAGTTTTTGATCTGATTTTTTTAAGGCA[A>G]TGTGGCTGGGATACCCTGGGACGAGTGGTGCGCTTTTCATGGATTATATTATCACTGATC-3'
Protein context (NP_858058.1, residues 651-671): FALRPAPIQA[Met661Val]WLGYPGTSGA

ClinVar aggregate classification (germline): Uncertain significance (1 of 4 stars; one submission).

gnomAD v4.1: 2 of 1,185,275 alleles (0.00017%); highest among the groups gnomAD compares: Non-Finnish European, 0.00011%; no homozygotes.

Submissions (2):

GeneDx
Classification: Uncertain significance. Last evaluated: 2026-03-10. Review status: criteria provided, single submitter. Criteria: GeneDx Variant Classification Process June 2021. Collection method: clinical testing. Allele origin: germline. Affected: yes.
Comment: In silico analysis supports that this missense variant has a deleterious effect on protein structure/function; In silico analysis supports a deleterious effect on splicing; Has not been previously published as pathogenic or benign to our knowledge

Dr. Peter K. Rogan Lab, Western University
No classification provided (evidence only). Condition: Thyroid cancer, nonmedullary, 1. Review status: no classification provided. Collection method: in vitro. Allele origin: not applicable. Functional consequence: retained intron. Not counted in ClinVar's aggregate classification.